The following is an entry in ClinVar:

NM_015102.5(NPHP4):c.3473-3C>T

Gene: NPHP4 (nephrocystin 4; minus strand). Cytogenetic location: 1p36.31.
Variant type: single nucleotide variant.
Coding change: c.3473-3C>T on transcript NM_015102.5 (MANE Select); 3 bases into the intron before coding-DNA position 3473, C replaced by T.
Molecular consequence: intron variant.
Genome position (GRCh38, 1-based): chr1:5,867,118, G>A on the plus strand (C>T on the coding strand, the complement: NPHP4 is on the minus strand). VCF-style: chr1-5867118-G-A. GRCh37 (hg19) VCF-style: chr1-5927178-G-A.
Other names: c.1937-3C>T (NM_001291594.2); c.1934-3C>T (NM_001291593.2).
Identifiers: ClinVar variation 1016840 (VCV001016840.8), dbSNP rs1304642945, ClinGen allele CA737336419.

ClinVar aggregate classification (germline): Uncertain significance (1 of 4 stars; one submission).

Conditions:
Nephronophthisis. Also called: Juvenile Nephronophthisis. Identifiers: Orphanet 655, MedGen C0687120, MONDO:0019005, HP:0000090.

Allele frequency attached by ClinVar (database versions not stated): gnomAD exomes below 0.00001; gnomAD 0.00001; TOPMed 0.00002.
gnomAD v4.1: 3 of 1,608,808 alleles (0.00019%); highest among the groups gnomAD compares: Non-Finnish European, 0.00025%; no homozygotes.

Submission:

Labcorp Genetics (formerly Invitae), Labcorp
Classification: Uncertain significance for Nephronophthisis. Last evaluated: 2021-06-17. Review status: criteria provided, single submitter. Criteria: Invitae Variant Classification Sherloc (09022015). Collection method: clinical testing. Allele origin: germline.
Comment: This sequence change falls in intron 24 of the NPHP4 gene. It does not directly change the encoded amino acid sequence of the NPHP4 protein, but it affects a nucleotide within the consensus splice site of the intron. This variant is not present in population databases (ExAC no frequency). This variant has not been reported in the literature in individuals with NPHP4-related conditions. Nucleotide substitutions within the consensus splice site are a relatively common cause of aberrant splicing (PMID: 17576681, 9536098). Algorithms developed to predict the effect of sequence changes on RNA splicing suggest that this variant is not likely to affect RNA splicing, but this prediction has not been confirmed by published transcriptional studies. In summary, the available evidence is currently insufficient to determine the role of this variant in disease. Therefore, it has been classified as a Variant of Uncertain Significance.

Literature cited by the submitters: PubMed 17576681; PubMed 9536098.